The following is an entry in ClinVar:

NM_001363711.2(DUOX2):c.2157del (p.Phe720fs)

Gene: DUOX2 (dual oxidase 2; minus strand). Cytogenetic location: 15q21.1.
Variant type: Deletion.
Coding change: c.2157del on transcript NM_001363711.2 (MANE Select); coding-DNA position 2157, one base deleted (G; older notation c.2157delG).
Protein change: p.Phe720fs; shifts the reading frame from phenylalanine 720.
Molecular consequence: frameshift variant.
Genome position (GRCh38, 1-based): chr15:45,105,820, C deleted on the plus strand (G on the coding strand, the reverse complement: DUOX2 is on the minus strand). VCF-style (leftmost placement, unchanged base first): chr15-45105819-AC-A. GRCh37 (hg19) VCF-style: chr15-45398017-AC-A.
Other names: c.2157del, p.Phe720fs (NM_014080.5); short protein forms F720fs.
Identifiers: ClinVar variation 2814313 (VCV002814313.3), dbSNP rs2504765090, ClinGen allele CA2739279345.
Genomic context (GRCh38, chr15:45,105,819, plus strand): 5'-AGCGCACGCAGAAGTCCCATAGCTGCTGCACAAAGGCGCCCCGTTCCTCTTCAGAACTAA[AC>A]AGCAGCACCTGGGTGGGAGGAAGGCGGCACTGACGCAGGGAGCTCGCTGGACCTTCTGCT-3'

ClinVar aggregate classification (germline): Pathogenic (1 of 4 stars; one submission).

Submission:

Labcorp Genetics (formerly Invitae), Labcorp
Classification: Pathogenic. Last evaluated: 2022-11-23. Review status: criteria provided, single submitter. Criteria: Invitae Variant Classification Sherloc (09022015). Collection method: clinical testing. Allele origin: germline.
Comment: This variant is not present in population databases (gnomAD no frequency). For these reasons, this variant has been classified as Pathogenic. This variant has not been reported in the literature in individuals affected with DUOX2-related conditions. This sequence change creates a premature translational stop signal (p.Phe720Leufs*30) in the DUOX2 gene. It is expected to result in an absent or disrupted protein product. Loss-of-function variants in DUOX2 are known to be pathogenic (PMID: 12110737, 18765513, 21565790, 24423310, 24735383).

Literature cited by the submitters: PubMed 12110737; PubMed 18765513; PubMed 21565790; PubMed 24423310; PubMed 24735383.